The following is an entry in ClinVar:

ClinVar aggregate classification (germline): Uncertain significance. Review status: criteria provided, multiple submitters, no conflicts (2 of 4 stars). 2 submissions from 2 submitters: Uncertain significance (2). Last evaluated 2025-10-02.

Conditions:
Atypical hemolytic-uremic syndrome. Identifiers: Orphanet 2134, MedGen C2931788, MONDO:0016244.
Familial hemolytic anemia. Also called: Congenital hemolytic anemia. Identifiers: MedGen C0002881, MONDO:0003689, HP:0004804.

Submissions (2):

Genomenon, Inc
Classification: Uncertain significance for Atypical hemolytic-uremic syndrome. Last evaluated: 2025-10-02. Review status: criteria provided, single submitter. Criteria: Genomenon Sequence Variant Interpretation Standards. Collection method: curation. Allele origin: germline. Affected: no.
Comment: CD46 p.Ile134Met (c.402T>G) is a missense variant that changes the amino acid at residue 134 from Isoleucine to Methionine. This variant has been reported in the published literature (PMID:32641076). It is absent or not present at a significant frequency in gnomAD. In silico models agree that this variant is not damaging. In conclusion, we classify CD46 p.Ile134Met (c.402T>G) as a variant of uncertain significance.

Department of Genetic, Henri Mondor Hospital, Assistance Publique des Hôpitaux de Paris
Classification: Uncertain significance for Familial hemolytic anemia. Last evaluated: 2018-02-27. Review status: criteria provided, single submitter. Criteria: ACMG Guidelines, 2015. Collection method: clinical testing. Allele origin: germline. Affected: yes.

Literature cited by the submitters: PubMed 32641076 (cited by Genomenon, Inc).

NM_172351.3(CD46):c.402T>G (p.Ile134Met)

Gene: CD46 (CD46 molecule; plus strand). Cytogenetic location: 1q32.2.
Variant type: single nucleotide variant.
Coding change: c.402T>G on transcript NM_172351.3 (MANE Select); coding-DNA position 402, T replaced by G.
Protein change: p.Ile134Met; replaces isoleucine 134 with methionine.
Molecular consequence: missense variant.
Genome position (GRCh38, 1-based): chr1:207,759,651, T>G. VCF-style: chr1-207759651-T-G. GRCh37 (hg19) VCF-style: chr1-207932996-T-G.
Other names: c.402T>G, p.Ile134Met (NM_002389.4, NM_153826.4, NM_172350.3 and 9 more transcripts); short protein forms I134M.
Identifiers: ClinVar variation 544824 (VCV000544824.2), dbSNP rs1553250568, ClinGen allele CA344548607.